The following is an entry in ClinVar:

NM_001267550.2(TTN):c.65883A>C (p.Ala21961=)

Genes: TTN (titin; minus strand), TTN-AS1 (TTN antisense RNA 1; plus strand). Cytogenetic location: 2q31.2.
Variant type: single nucleotide variant.
Coding change: c.65883A>C on transcript NM_001267550.2 (MANE Select); coding-DNA position 65883, A replaced by C.
Protein change: p.Ala21961=; no amino-acid change (alanine 21961 retained).
Molecular consequence: synonymous variant. On other transcripts: non-coding transcript variant (1).
Genome position (GRCh38, 1-based): chr2:178,582,573, T>G on the plus strand (A>C on the coding strand, the complement: TTN is on the minus strand). VCF-style: chr2-178582573-T-G. GRCh37 (hg19) VCF-style: chr2-179447300-T-G.
Other names: c.60960A>C, p.Ala20320= (NM_001256850.1); c.38688A>C, p.Ala12896= (NM_003319.4); c.58179A>C, p.Ala19393= (NM_133378.4); c.39063A>C, p.Ala13021= (NM_133432.3); c.39264A>C, p.Ala13088= (NM_133437.4).
Identifiers: ClinVar variation 1735651 (VCV001735651.29), dbSNP rs757234856, ClinGen allele CA1991617.

ClinVar aggregate classification (germline): Likely benign. Review status: criteria provided, multiple submitters, no conflicts (2 of 4 stars). 3 submissions from 3 submitters: Likely benign (3). Last evaluated 2025-09-01.

Conditions:
Dilated cardiomyopathy 1G (CMD1G). Identifiers: Orphanet 154, MedGen C1858763, MONDO:0011400, OMIM 604145.
Autosomal recessive limb-girdle muscular dystrophy type 2J (LGMDR10). Also called: MUSCULAR DYSTROPHY, LIMB-GIRDLE, AUTOSOMAL RECESSIVE 10; Limb-girdle muscular dystrophy, type 2J. Identifiers: Orphanet 140922, MedGen C1837342, MONDO:0012127, OMIM 608807.
Cardiovascular phenotype. Identifiers: MedGen CN230736.

Allele frequency attached by ClinVar (database versions not stated): ExAC 0.00003.
gnomAD v4.1: 16 of 1,609,486 alleles (0.00099%); highest among the groups gnomAD compares: South Asian, 0.011%; no homozygotes.

Submissions (3):

CeGaT Center for Human Genetics Tuebingen
Classification: Likely benign. Last evaluated: 2025-09-01. Review status: criteria provided, single submitter. Criteria: CeGaT Center For Human Genetics Tuebingen Variant Classification Criteria Version 2. Collection method: clinical testing. Allele origin: germline. Affected: yes. Observed: 3 variant alleles.
Comment: TTN: BP4, BP7

Labcorp Genetics (formerly Invitae), Labcorp
Classification: Likely benign for Dilated cardiomyopathy 1G; Autosomal recessive limb-girdle muscular dystrophy type 2J. Last evaluated: 2024-11-25. Review status: criteria provided, single submitter. Criteria: Invitae Variant Classification Sherloc (09022015). Collection method: clinical testing. Allele origin: germline.

Ambry Genetics
Classification: Likely benign for Cardiovascular phenotype. Last evaluated: 2021-11-19. Review status: criteria provided, single submitter. Criteria: Ambry Variant Classification Scheme 2023. Collection method: clinical testing. Allele origin: germline.